The following is an entry in ClinVar:

ClinVar aggregate classification (germline): Benign (0 of 4 stars; one submission).

Conditions:
MYO7B-related disorder. Also called: MYO7B-related condition.

Allele frequency attached by ClinVar (database versions not stated): TOPMed 0.18628; ESP Exome Variant Server 0.19228; gnomAD 0.19893; gnomAD exomes 0.20290; ExAC 0.21459; 1000 Genomes Project 0.21905; 1000 Genomes Project 30x 0.22283.
gnomAD v4.1: 326,043 of 1,611,722 alleles (20%); highest among the groups gnomAD compares: South Asian, 36%; 34,985 homozygotes.

Submission:

PreventionGenetics, part of Exact Sciences
Classification: Benign for MYO7B-related condition. Last evaluated: 2019-10-21. Review status: no assertion criteria provided. Collection method: clinical testing. Allele origin: germline.
Comment: This variant is classified as benign based on ACMG/AMP sequence variant interpretation guidelines (Richards et al. 2015 PMID: 25741868, with internal and published modifications).

NM_001393586.1(MYO7B):c.6024T>C (p.Tyr2008=)

Gene: MYO7B (myosin VIIB; plus strand). Cytogenetic location: 2q14.3.
Variant type: single nucleotide variant.
Coding change: c.6024T>C on transcript NM_001393586.1 (MANE Select); coding-DNA position 6024, T replaced by C.
Protein change: p.Tyr2008=; no amino-acid change (tyrosine 2008 retained).
Molecular consequence: synonymous variant.
Genome position (GRCh38, 1-based): chr2:127,636,225, T>C. VCF-style: chr2-127636225-T-C. GRCh37 (hg19) VCF-style: chr2-128393800-T-C.
Other names: c.5946T>C, p.Tyr1982= (NM_001080527.2); c.2505T>C, p.Tyr835= (NM_001393594.1).
Identifiers: ClinVar variation 3055711 (VCV003055711.2), dbSNP rs2255161, ClinGen allele CA1862523.